The following is an entry in ClinVar:

NM_182961.4(SYNE1):c.5228A>G (p.Asp1743Gly)

Gene: SYNE1 (spectrin repeat containing nuclear envelope protein 1; minus strand). Cytogenetic location: 6q25.2.
Variant type: single nucleotide variant.
Coding change: c.5228A>G on transcript NM_182961.4 (MANE Select); coding-DNA position 5228, A replaced by G.
Protein change: p.Asp1743Gly; replaces aspartic acid 1743 with glycine.
Molecular consequence: missense variant.
Genome position (GRCh38, 1-based): chr6:152,425,420, T>C on the plus strand (A>G on the coding strand, the complement: SYNE1 is on the minus strand). VCF-style: chr6-152425420-T-C. GRCh37 (hg19) VCF-style: chr6-152746555-T-C.
Other names: c.5249A>G, p.Asp1750Gly (NM_033071.5); c.5249A>G (NM_033071.3); short protein forms D1743G, D1750G.
Identifiers: ClinVar variation 805575 (VCV000805575.7), dbSNP rs555731770, ClinGen allele CA150215240.
Genomic context (GRCh38, chr6:152,425,420, plus strand): 5'-GATTTATCTTTTAGAACCAACCTTTTGTTAATGATCTGTGGTAAATCTCTCCATCTCTCA[T>C]CCAACTGCTCCAAATGTAGTTTCATCATTTTCACATCATCTTTGGAGGCTACTGAGAACA-3'
Protein context (NP_892006.3, residues 1733-1753): KMMKLHLEQL[Asp1743Gly]ERWRDLPQII

ClinVar aggregate classification (germline): Uncertain significance. Review status: criteria provided, multiple submitters, no conflicts (2 of 4 stars). 3 submissions from 3 submitters: Uncertain significance (3). Last evaluated 2024-09-18.

Conditions:
Emery-Dreifuss muscular dystrophy 4, autosomal dominant (EDMD4). Also called: EMERY-DREIFUSS MUSCULAR DYSTROPHY 4 WITH VARIABLE FEATURES. Identifiers: Orphanet 261, MedGen C2751807, MONDO:0013071, OMIM 612998.
Autosomal recessive ataxia, Beauce type. Also called: Spinocerebellar ataxia, autosomal recessive 8; ATAXIA, RECESSIVE, OF BEAUCE; SYNE1 Deficiency; SYNE1-Related Autosomal Recessive Cerebellar Ataxia. Identifiers: Orphanet 88644, MedGen C1853116, MONDO:0012549, OMIM 610743.

Allele frequency attached by ClinVar (database versions not stated): gnomAD exomes 0.00003; TOPMed 0.00004; gnomAD 0.00005 and 0.00006.
gnomAD v4.1: 53 of 1,614,090 alleles (0.0033%); highest among the groups gnomAD compares: Non-Finnish European, 0.0044%; no homozygotes.

Submissions (3):

Athena Diagnostics
Classification: Uncertain significance. Last evaluated: 2024-09-18. Review status: criteria provided, single submitter. Criteria: Athena Diagnostics Criteria. Collection method: clinical testing. Allele origin: unknown.
Comment: Available data are insufficient to determine the clinical significance of the variant at this time. The frequency of this variant in the general population is uninformative in assessment of its pathogenicity. Computational tools yielded predictions that this variant may result in the gain of a cryptic splice site without affecting the natural splice sites. Polyphen and MutationTaster predict this amino acid change may be benign.

GeneDx
Classification: Uncertain significance. Last evaluated: 2024-04-01. Review status: criteria provided, single submitter. Criteria: GeneDx Variant Classification Process June 2021. Collection method: clinical testing. Allele origin: germline. Affected: yes.
Comment: In silico analysis supports that this missense variant has a deleterious effect on protein structure/function; Has not been previously published as pathogenic or benign to our knowledge

Labcorp Genetics (formerly Invitae), Labcorp
Classification: Uncertain significance for Emery-Dreifuss muscular dystrophy 4, autosomal dominant; Autosomal recessive ataxia, Beauce type. Last evaluated: 2022-07-03. Review status: criteria provided, single submitter. Criteria: Invitae Variant Classification Sherloc (09022015). Collection method: clinical testing. Allele origin: germline.
Comment: This sequence change replaces aspartic acid, which is acidic and polar, with glycine, which is neutral and non-polar, at codon 1750 of the SYNE1 protein (p.Asp1750Gly). This variant is present in population databases (rs555731770, gnomAD 0.005%). This variant has not been reported in the literature in individuals affected with SYNE1-related conditions. ClinVar contains an entry for this variant (Variation ID: 805575). Algorithms developed to predict the effect of missense changes on protein structure and function are either unavailable or do not agree on the potential impact of this missense change (SIFT: "Deleterious"; PolyPhen-2: "Benign"; Align-GVGD: "Class C0"). Algorithms developed to predict the effect of sequence changes on RNA splicing suggest that this variant may create or strengthen a splice site. In summary, the available evidence is currently insufficient to determine the role of this variant in disease. Therefore, it has been classified as a Variant of Uncertain Significance.

Literature cited by the submitters: PubMed 25189415 (cited by Athena Diagnostics).